The following is an entry in ClinVar:

ClinVar aggregate classification (germline): Benign (1 of 4 stars; one submission).

Allele frequency attached by ClinVar (database versions not stated): 1000 Genomes Project 0.05012; 1000 Genomes Project 30x 0.05075; TOPMed 0.08497; gnomAD 0.08629 and 0.08834.
gnomAD v4.1: 13,300 of 152,244 alleles (8.7%); highest among the groups gnomAD compares: Middle Eastern, 14%; 794 homozygotes.

Submission:

GeneDx
Classification: Benign. Last evaluated: 2021-02-24. Review status: criteria provided, single submitter. Criteria: GeneDx Variant Classification Process June 2021. Collection method: clinical testing. Allele origin: germline. Affected: yes.
Comment: This variant is associated with the following publications: (PMID: 32649856)

NM_005308.3(GRK5):c.52+42775A>G

Gene: GRK5 (G protein-coupled receptor kinase 5; plus strand). Cytogenetic location: 10q26.11.
Variant type: single nucleotide variant.
Coding change: c.52+42775A>G on transcript NM_005308.3 (MANE Select); 42775 bases into the intron after coding-DNA position 52, A replaced by G.
Molecular consequence: intron variant.
Genome position (GRCh38, 1-based): chr10:119,250,744, A>G. VCF-style: chr10-119250744-A-G. GRCh37 (hg19) VCF-style: chr10-121010256-A-G.
Identifiers: ClinVar variation 1222037 (VCV001222037.3), dbSNP rs10886430, ClinGen allele CA13253228.